The following is an entry in ClinVar:

ClinVar aggregate classification (germline): Uncertain significance (1 of 4 stars; one submission).

Conditions:
Charcot-Marie-Tooth disease X-linked dominant 6. Also called: CHARCOT-MARIE-TOOTH NEUROPATHY, X-LINKED DOMINANT, 6. Identifiers: Orphanet 352675, MedGen C3806702, MONDO:0010479, OMIM 300905.

Allele frequency attached by ClinVar (database versions not stated): gnomAD exomes 0.00001 and 0.00002; TOPMed 0.00003; gnomAD 0.00004.
gnomAD v4.1: 15 of 1,170,828 alleles (0.0013%); highest among the groups gnomAD compares: African/African-American, 0.0018%; no homozygotes.

Submission:

Labcorp Genetics (formerly Invitae), Labcorp
Classification: Uncertain significance for Charcot-Marie-Tooth disease X-linked dominant 6. Last evaluated: 2024-02-06. Review status: criteria provided, single submitter. Criteria: Invitae Variant Classification Sherloc (09022015). Collection method: clinical testing. Allele origin: germline.
Comment: This sequence change replaces valine, which is neutral and non-polar, with isoleucine, which is neutral and non-polar, at codon 274 of the PDK3 protein (p.Val274Ile). The frequency data for this variant in the population databases is considered unreliable, as metrics indicate poor data quality at this position in the gnomAD database. This variant has not been reported in the literature in individuals affected with PDK3-related conditions. ClinVar contains an entry for this variant (Variation ID: 1416191). Advanced modeling of protein sequence and biophysical properties (such as structural, functional, and spatial information, amino acid conservation, physicochemical variation, residue mobility, and thermodynamic stability) performed at Invitae indicates that this missense variant is not expected to disrupt PDK3 protein function with a negative predictive value of 80%. In summary, the available evidence is currently insufficient to determine the role of this variant in disease. Therefore, it has been classified as a Variant of Uncertain Significance.

NM_005391.5(PDK3):c.820G>A (p.Val274Ile)

Gene: PDK3 (pyruvate dehydrogenase kinase 3; plus strand). Cytogenetic location: Xp22.11.
Variant type: single nucleotide variant.
Coding change: c.820G>A on transcript NM_005391.5 (MANE Select); coding-DNA position 820, G replaced by A.
Protein change: p.Val274Ile; replaces valine 274 with isoleucine.
Molecular consequence: missense variant.
Genome position (GRCh38, 1-based): chrX:24,527,643, G>A. VCF-style: chrX-24527643-G-A. GRCh37 (hg19) VCF-style: chrX-24545760-G-A.
Other names: c.820G>A, p.Val274Ile (NM_001142386.3); short protein forms V274I.
Identifiers: ClinVar variation 1416191 (VCV001416191.8), dbSNP rs773597771, ClinGen allele CA10372358.